The following is an entry in ClinVar:

ClinVar aggregate classification (germline): Uncertain significance (1 of 4 stars; one submission).

Conditions:
Paroxysmal nonkinesigenic dyskinesia. Also called: Paroxysmal non-kinesigenic dyskinesia. Identifiers: Orphanet 98810, MedGen C1869117, MONDO:0700088.

gnomAD v4.1: 1 of 1,608,972 alleles (0.000062%); highest among the groups gnomAD compares: Admixed American, 0.0017%; no homozygotes.

Submission:

Labcorp Genetics (formerly Invitae), Labcorp
Classification: Uncertain significance for Paroxysmal nonkinesigenic dyskinesia. Last evaluated: 2022-11-15. Review status: criteria provided, single submitter. Criteria: Invitae Variant Classification Sherloc (09022015). Collection method: clinical testing. Allele origin: germline.
Comment: Advanced modeling of protein sequence and biophysical properties (such as structural, functional, and spatial information, amino acid conservation, physicochemical variation, residue mobility, and thermodynamic stability) performed at Invitae indicates that this missense variant is not expected to disrupt PNKD protein function. This variant has not been reported in the literature in individuals affected with PNKD-related conditions. This variant is present in population databases (no rsID available, gnomAD 0.003%). This sequence change replaces lysine, which is basic and polar, with arginine, which is basic and polar, at codon 120 of the PNKD protein (p.Lys120Arg). In summary, the available evidence is currently insufficient to determine the role of this variant in disease. Therefore, it has been classified as a Variant of Uncertain Significance.

NM_015488.5(PNKD):c.359A>G (p.Lys120Arg)

Genes: PNKD (PNKD metallo-beta-lactamase domain containing; plus strand), CATIP-AS2 (CATIP antisense RNA 2; minus strand). Cytogenetic location: 2q35.
Variant type: single nucleotide variant.
Coding change: c.359A>G on transcript NM_015488.5 (MANE Select); coding-DNA position 359, A replaced by G.
Protein change: p.Lys120Arg; replaces lysine 120 with arginine.
Molecular consequence: missense variant.
Genome position (GRCh38, 1-based): chr2:218,340,035, A>G. VCF-style: chr2-218340035-A-G. GRCh37 (hg19) VCF-style: chr2-219204758-A-G.
Other names: c.287A>G, p.Lys96Arg (NM_022572.5); short protein forms K120R, K96R.
Identifiers: ClinVar variation 2124321 (VCV002124321.4), dbSNP rs1427623727, ClinGen allele CA350538345.